The following is an entry in ClinVar:

ClinVar aggregate classification (germline): Uncertain significance (1 of 4 stars; one submission).

Allele frequency attached by ClinVar (database versions not stated): gnomAD exomes below 0.00001.
gnomAD v4.1: 1 of 1,593,368 alleles (0.000063%); highest among the groups gnomAD compares: Non-Finnish European, 0.000086%; no homozygotes.

Submission:

Labcorp Genetics (formerly Invitae), Labcorp
Classification: Uncertain significance. Last evaluated: 2023-12-09. Review status: criteria provided, single submitter. Criteria: Invitae Variant Classification Sherloc (09022015). Collection method: clinical testing. Allele origin: germline.
Comment: This sequence change replaces histidine, which is basic and polar, with tyrosine, which is neutral and polar, at codon 62 of the GNB1 protein (p.His62Tyr). This variant is not present in population databases (gnomAD no frequency). This variant has not been reported in the literature in individuals affected with GNB1-related conditions. Advanced modeling of protein sequence and biophysical properties (such as structural, functional, and spatial information, amino acid conservation, physicochemical variation, residue mobility, and thermodynamic stability) performed at Invitae indicates that this missense variant is not expected to disrupt GNB1 protein function with a negative predictive value of 80%. In summary, the available evidence is currently insufficient to determine the role of this variant in disease. Therefore, it has been classified as a Variant of Uncertain Significance.

NM_002074.5(GNB1):c.184C>T (p.His62Tyr)

Gene: GNB1 (G protein subunit beta 1; minus strand). Cytogenetic location: 1p36.33.
Variant type: single nucleotide variant.
Coding change: c.184C>T on transcript NM_002074.5 (MANE Select); coding-DNA position 184, C replaced by T.
Protein change: p.His62Tyr; replaces histidine 62 with tyrosine.
Molecular consequence: missense variant. On other transcripts: intron variant (1).
Genome position (GRCh38, 1-based): chr1:1,815,775, G>A on the plus strand (C>T on the coding strand, the complement: GNB1 is on the minus strand). VCF-style: chr1-1815775-G-A. GRCh37 (hg19) VCF-style: chr1-1747214-G-A.
Other names: c.184C>T, p.His62Tyr (NM_001282539.2); c.-97-9237C>T (NM_001282538.2); short protein forms H62Y.
Identifiers: ClinVar variation 2701836 (VCV002701836.3), dbSNP rs2523137290, ClinGen allele CA337919448.
Genomic context (GRCh38, chr1:1,815,775, plus strand): 5'-CTGAATGTAACAAGCAGCATCCTGCTCATGCCCACGCCTACCTGGAGTCTGTGCCCCAGT[G>A]CATGGCGTAGATCTTGGCCAGGTGCCCCCGCAGTGTCCTCCTCGTGCGCATTTGGATTCT-3'
Protein context (NP_002065.1, residues 52-72): RGHLAKIYAM[His62Tyr]WGTDSRLLVS